The following is an entry in ClinVar:

ClinVar aggregate classification (germline): Likely benign. Review status: criteria provided, multiple submitters, no conflicts (2 of 4 stars). 3 submissions from 3 submitters: Likely benign (2). 1 of the submissions does not count toward it. Last evaluated 2024-06-14.

Conditions:
Nephronophthisis 16 (NPHP16). Identifiers: Orphanet 655, MedGen C3809320, MONDO:0014158, OMIM 615382.
ANKS6-related disorder. Also called: ANKS6-related condition.

Allele frequency attached by ClinVar (database versions not stated): TOPMed 0.00008; ExAC 0.00009; gnomAD 0.00009; gnomAD exomes 0.00009; ESP Exome Variant Server 0.00025.
gnomAD v4.1: 134 of 1,566,660 alleles (0.0086%); highest among the groups gnomAD compares: Middle Eastern, 0.034%; no homozygotes.

Submissions (3):

Blueprint Genetics
Classification: Likely benign. Last evaluated: 2024-06-14. Review status: criteria provided, single submitter. Criteria: ACMG Guidelines, 2015. Collection method: clinical testing. Allele origin: germline.

Labcorp Genetics (formerly Invitae), Labcorp
Classification: Likely benign for Nephronophthisis 16. Last evaluated: 2024-06-02. Review status: criteria provided, single submitter. Criteria: Invitae Variant Classification Sherloc (09022015). Collection method: clinical testing. Allele origin: germline.

PreventionGenetics, part of Exact Sciences
Classification: Likely benign for ANKS6-related condition. Last evaluated: 2019-03-20. Review status: no assertion criteria provided. Collection method: clinical testing. Allele origin: germline. Not counted in ClinVar's aggregate classification.
Comment: This variant is classified as likely benign based on ACMG/AMP sequence variant interpretation guidelines (Richards et al. 2015 PMID: 25741868, with internal and published modifications).

NM_173551.5(ANKS6):c.1827C>T (p.Pro609=)

Genes: ANKS6 (ankyrin repeat and sterile alpha motif domain containing 6; minus strand), LOC124310614 (Sharpr-MPRA regulatory region 9654; plus strand). Cytogenetic location: 9q22.33.
Variant type: single nucleotide variant.
Coding change: c.1827C>T on transcript NM_173551.5 (MANE Select); coding-DNA position 1827, C replaced by T.
Protein change: p.Pro609=; no amino-acid change (proline 609 retained).
Molecular consequence: synonymous variant.
Genome position (GRCh38, 1-based): chr9:98,771,041, G>A on the plus strand (C>T on the coding strand, the complement: ANKS6 is on the minus strand). VCF-style: chr9-98771041-G-A. GRCh37 (hg19) VCF-style: chr9-101533323-G-A.
Other names: c.1827C>T (NM_173551.4).
Identifiers: ClinVar variation 2075640 (VCV002075640.7), dbSNP rs377000748, ClinGen allele CA5153339.